The following is an entry in ClinVar:

NM_001001331.4(ATP2B2):c.2551A>T (p.Ile851Phe)

Gene: ATP2B2 (ATPase plasma membrane Ca2+ transporting 2; minus strand). Cytogenetic location: 3p25.3.
Variant type: single nucleotide variant.
Coding change: c.2551A>T on transcript NM_001001331.4 (MANE Select); coding-DNA position 2551, A replaced by T.
Protein change: p.Ile851Phe; replaces isoleucine 851 with phenylalanine.
Molecular consequence: missense variant.
Genome position (GRCh38, 1-based): chr3:10,345,536, T>A on the plus strand (A>T on the coding strand, the complement: ATP2B2 is on the minus strand). VCF-style: chr3-10345536-T-A. GRCh37 (hg19) VCF-style: chr3-10387220-T-A.
Other names: c.2416A>T, p.Ile806Phe (NM_001330611.3, NM_001353564.1, NM_001363862.1 and 1 more transcripts); short protein forms I806F, I851F.
Identifiers: ClinVar variation 2579798 (VCV002579798.1), dbSNP rs2470169999, ClinGen allele CA351778549.

ClinVar aggregate classification (germline): Uncertain significance (1 of 4 stars; one submission).

Submission:

GeneDx
Classification: Uncertain significance. Last evaluated: 2023-03-13. Review status: criteria provided, single submitter. Criteria: GeneDx Variant Classification Process June 2021. Collection method: clinical testing. Allele origin: germline. Affected: yes.
Comment: Not observed at significant frequency in large population cohorts (gnomAD); In silico analysis supports that this missense variant has a deleterious effect on protein structure/function; Has not been previously published as pathogenic or benign to our knowledge